The following is an entry in ClinVar:

NM_003098.3(SNTA1):c.32G>T (p.Gly11Val)

Genes: SNTA1 (syntrophin alpha 1; minus strand), LOC130065680 (ATAC-STARR-seq lymphoblastoid silent region 12812; plus strand). Cytogenetic location: 20q11.21.
Variant type: single nucleotide variant.
Coding change: c.32G>T on transcript NM_003098.3 (MANE Select); coding-DNA position 32, G replaced by T.
Protein change: p.Gly11Val; replaces glycine 11 with valine.
Molecular consequence: missense variant.
Genome position (GRCh38, 1-based): chr20:33,443,589, C>A on the plus strand (G>T on the coding strand, the complement: SNTA1 is on the minus strand). VCF-style: chr20-33443589-C-A. GRCh37 (hg19) VCF-style: chr20-32031395-C-A.
Other names: short protein forms G11V.
Identifiers: ClinVar variation 2011373 (VCV002011373.4), dbSNP rs2146815337, ClinGen allele CA408634776.
Genomic context (GRCh38, chr20:33,443,589, plus strand): 5'-ACCCGCTGCCATCGCTCGCCGCCGGCCCCCGAGCCCGCCCCGGCGCGCAGCTCCAGCAGC[C>A]CGGTGCGCGGGGCGCGCCTGCCGGACGCCATCTTCGCCTCCGAGCCCCCGGGCCGCCGCG-3'
Protein context (NP_003089.1, residues 1-21): MASGRRAPRT[Gly11Val]LLELRAGAGS

ClinVar aggregate classification (germline): Uncertain significance (1 of 4 stars; one submission).

Conditions:
Long QT syndrome (LQTS). Identifiers: MedGen C0023976, MeSH D008133, MONDO:0002442. Disease mechanism: loss of function. Inheritance: Various modes of inheritance.

Submission:

Labcorp Genetics (formerly Invitae), Labcorp
Classification: Uncertain significance for Long QT syndrome. Last evaluated: 2022-06-27. Review status: criteria provided, single submitter. Criteria: Invitae Variant Classification Sherloc (09022015). Collection method: clinical testing. Allele origin: germline.
Comment: Algorithms developed to predict the effect of missense changes on protein structure and function are either unavailable or do not agree on the potential impact of this missense change (SIFT: "Deleterious"; PolyPhen-2: "Probably Damaging"; Align-GVGD: "Class C0"). In summary, the available evidence is currently insufficient to determine the role of this variant in disease. Therefore, it has been classified as a Variant of Uncertain Significance. This variant has not been reported in the literature in individuals affected with SNTA1-related conditions. This variant is not present in population databases (gnomAD no frequency). This sequence change replaces glycine, which is neutral and non-polar, with valine, which is neutral and non-polar, at codon 11 of the SNTA1 protein (p.Gly11Val).